The following is an entry in ClinVar:

NM_001374736.1(DST):c.17974G>A (p.Glu5992Lys)

Gene: DST (dystonin; minus strand). Cytogenetic location: 6p12.1.
Variant type: single nucleotide variant.
Coding change: c.17974G>A on transcript NM_001374736.1 (MANE Select); coding-DNA position 17974, G replaced by A.
Protein change: p.Glu5992Lys; replaces glutamic acid 5992 with lysine.
Molecular consequence: missense variant.
Genome position (GRCh38, 1-based): chr6:56,526,516, C>T on the plus strand (G>A on the coding strand, the complement: DST is on the minus strand). VCF-style: chr6-56526516-C-T. GRCh37 (hg19) VCF-style: chr6-56391314-C-T.
Other names: c.11617G>A, p.Glu3873Lys (NM_001144769.5); c.11203G>A, p.Glu3735Lys (NM_001144770.2); c.17974G>A, p.Glu5992Lys (NM_001374722.1); c.17014G>A, p.Glu5672Lys (NM_001374729.1); c.10756G>A, p.Glu3586Lys (NM_001374730.1); c.18001G>A, p.Glu6001Lys (NM_001374734.1); c.11083G>A, p.Glu3695Lys (NM_001386100.1, NM_183380.4); c.10105G>A, p.Glu3369Lys (NM_015548.5); short protein forms E3369K, E3695K, E5672K, E5992K, E6001K, E3586K, E3873K, E3735K.
Identifiers: ClinVar variation 1043908 (VCV001043908.9), dbSNP rs1272059049, ClinGen allele CA364505901.

ClinVar aggregate classification (germline): Uncertain significance. Review status: criteria provided, multiple submitters, no conflicts (2 of 4 stars). 2 submissions from 2 submitters: Uncertain significance (2). Last evaluated 2022-08-12.

Conditions:
Inborn genetic diseases. Identifiers: MedGen C0950123, MeSH D030342.
Epidermolysis bullosa simplex 3, localized or generalized intermediate, with BP230 deficiency (EBS3). Also called: Epidermolysis bullosa simplex, autosomal recessive 2; Epidermolysis bullosa simplex due to BP230 deficiency. Identifiers: Orphanet 412181, MedGen C3809470, MONDO:0014180, OMIM 615425.
Hereditary sensory and autonomic neuropathy type 6. Also called: Neuropathy, hereditary sensory and autonomic, type VI; HSAN VI. Identifiers: Orphanet 314381, MedGen C3539003, MONDO:0013839, OMIM 614653.

Allele frequency attached by ClinVar (database versions not stated): gnomAD exomes below 0.00001; gnomAD 0.00001.
gnomAD v4.1: 2 of 1,613,654 alleles (0.00012%); highest among the groups gnomAD compares: African/African-American, 0.0027%; no homozygotes.

Submissions (2):

Ambry Genetics
Classification: Uncertain significance for Inborn genetic diseases. Last evaluated: 2022-08-12. Review status: criteria provided, single submitter. Criteria: Ambry Variant Classification Scheme 2023. Collection method: clinical testing. Allele origin: germline.
Comment: The p.E3873K variant (also known as c.11617G>A), located in coding exon 63 of the DST gene, results from a G to A substitution at nucleotide position 11617. The glutamic acid at codon 3873 is replaced by lysine, an amino acid with similar properties. This amino acid position is highly conserved in available vertebrate species. In addition, the in silico prediction for this alteration is inconclusive. Since supporting evidence is limited at this time, the clinical significance of this alteration remains unclear.

Labcorp Genetics (formerly Invitae), Labcorp
Classification: Uncertain significance for Epidermolysis bullosa simplex 3, localized or generalized intermediate, with BP230 deficiency; Hereditary sensory and autonomic neuropathy type 6. Last evaluated: 2020-01-01. Review status: criteria provided, single submitter. Criteria: Invitae Variant Classification Sherloc (09022015). Collection method: clinical testing. Allele origin: germline.
Comment: In summary, the available evidence is currently insufficient to determine the role of this variant in disease. Therefore, it has been classified as a Variant of Uncertain Significance. Experimental studies and prediction algorithms are not available or were not evaluated, and the functional significance of this variant is currently unknown. This variant has not been reported in the literature in individuals with DST-related conditions. This variant is not present in population databases (ExAC no frequency). This sequence change replaces glutamic acid with lysine at codon 3369 of the DST protein (p.Glu3369Lys). The glutamic acid residue is moderately conserved and there is a small physicochemical difference between the two amino acids. The DST gene has multiple clinically relevant transcripts. This variant occurs in alternate transcript NM_015548.4, and corresponds to NM_001723.5:c.*89001G>A in the primary transcript.